The following is an entry in ClinVar:

ClinVar aggregate classification (germline): Uncertain significance. Review status: criteria provided, multiple submitters, no conflicts (2 of 4 stars). 5 submissions from 5 submitters: Uncertain significance (5). Last evaluated 2026-01-05.

Conditions:
Hereditary cancer-predisposing syndrome. Also called: Neoplastic Syndromes, Hereditary; Hereditary neoplastic syndrome; Tumor predisposition; Hereditary Cancer Syndrome. Identifiers: Orphanet 140162, MedGen C0027672, MeSH D009386, MONDO:0015356.
Ataxia-telangiectasia syndrome (AT). Also called: Ataxia telangiectasia (A-T); Cerebello-oculocutaneous telangiectasia; Immunodeficiency with ataxia telangiectasia; LOUIS-BAR SYNDROME; AT, COMPLEMENTATION GROUP C; ATAXIA-TELANGIECTASIA, FRESNO VARIANT. Identifiers: Orphanet 100, MedGen C0004135, MONDO:0008840, OMIM 208900.
Familial cancer of breast. Also called: hereditary breast carcinoma; Hereditary breast cancer; BREAST CANCER, FAMILIAL. Identifiers: Orphanet 227535, MedGen C0346153, MONDO:0016419, OMIM 114480. Disease mechanism: loss of function.

Allele frequency attached by ClinVar (database versions not stated): gnomAD exomes 0.00001; ExAC 0.00001.
gnomAD v4.1: 7 of 1,592,710 alleles (0.00044%); highest among the groups gnomAD compares: African/African-American, 0.0013%; no homozygotes.

Submissions (5):

Labcorp Genetics (formerly Invitae), Labcorp
Classification: Uncertain significance for Ataxia-telangiectasia syndrome. Last evaluated: 2026-01-05. Review status: criteria provided, single submitter. Criteria: Invitae Variant Classification Sherloc (09022015). Collection method: clinical testing. Allele origin: germline.
Comment: This sequence change replaces isoleucine, which is neutral and non-polar, with threonine, which is neutral and polar, at codon 2888 of the ATM protein (p.Ile2888Thr). This variant is not present in population databases (gnomAD no frequency). This missense change has been observed in individual(s) with breast cancer (PMID: 25452441). ClinVar contains an entry for this variant (Variation ID: 245842). Invitae Evidence Modeling of protein sequence and biophysical properties (such as structural, functional, and spatial information, amino acid conservation, physicochemical variation, residue mobility, and thermodynamic stability) indicates that this missense variant is expected to disrupt ATM protein function with a positive predictive value of 95%. In summary, the available evidence is currently insufficient to determine the role of this variant in disease. Therefore, it has been classified as a Variant of Uncertain Significance.

Ambry Genetics
Classification: Uncertain significance for Hereditary cancer-predisposing syndrome. Last evaluated: 2024-07-05. Review status: criteria provided, single submitter. Criteria: Ambry Variant Classification Scheme 2023. Collection method: clinical testing. Allele origin: germline.
Comment: The p.I2888T variant (also known as c.8663T>C), located in coding exon 58 of the ATM gene, results from a T to C substitution at nucleotide position 8663. The isoleucine at codon 2888 is replaced by threonine, an amino acid with similar properties. This alteration has been reported in an individual diagnosed with triple negative breast cancer (Couch FJ et al. J Clin Oncol. 2015 Feb 1;33(4):304-11). This amino acid position is highly conserved in available vertebrate species. In addition, this alteration is predicted to be deleterious by in silico analysis. Based on the available evidence, the clinical significance of this variant remains unclear.

Blueprint Genetics
Classification: Uncertain significance. Last evaluated: 2024-04-22. Review status: criteria provided, single submitter. Criteria: ACMG Guidelines, 2015. Collection method: clinical testing. Allele origin: germline.

Baylor Genetics
Classification: Uncertain significance for Familial cancer of breast. Last evaluated: 2024-03-17. Review status: criteria provided, single submitter. Criteria: ACMG Guidelines, 2015. Collection method: clinical testing. Allele origin: unknown.

GeneDx
Classification: Uncertain significance. Last evaluated: 2023-06-21. Review status: criteria provided, single submitter. Criteria: GeneDx Variant Classification Process June 2021. Collection method: clinical testing. Allele origin: germline. Affected: yes.
Comment: Not observed at significant frequency in large population cohorts (gnomAD); In silico analysis supports that this missense variant has a deleterious effect on protein structure/function; Observed in individuals with chronic lymphocytic leukemia or breast cancer (Skowronska et al., 2012; Couch et al., 2015); This variant is associated with the following publications: (PMID: 26466571, 25115387, 23091097, 22722201, 24584352, 25452441, 12697903, 26205736, 21933854, 23532176, 34556870, 35074264, 33975862)

Literature cited by the submitters: PubMed 25452441 (cited by Labcorp Genetics (formerly Invitae), Labcorp).

NM_000051.4(ATM):c.8663T>C (p.Ile2888Thr)

Genes: ATM (ATM serine/threonine kinase; plus strand), C11orf65 (chromosome 11 open reading frame 65; minus strand). Cytogenetic location: 11q22.3.
Variant type: single nucleotide variant.
Coding change: c.8663T>C on transcript NM_000051.4 (MANE Select); coding-DNA position 8663, T replaced by C.
Protein change: p.Ile2888Thr; replaces isoleucine 2888 with threonine.
Molecular consequence: missense variant. On other transcripts: intron variant (2).
Genome position (GRCh38, 1-based): chr11:108,347,357, T>C. VCF-style: chr11-108347357-T-C. GRCh37 (hg19) VCF-style: chr11-108218084-T-C.
Other names: c.8663T>C, p.Ile2888Thr (NM_001351834.2); c.641-38286A>G (NM_001330368.2); c.695-12065A>G (NM_001351110.2); short protein forms I2888T.
Identifiers: ClinVar variation 245842 (VCV000245842.21), dbSNP rs760955058, ClinGen allele CA6266404.